The following is an entry in ClinVar:

NM_001943.5(DSG2):c.46A>T (p.Ile16Phe)

Gene: DSG2 (desmoglein 2; plus strand). Cytogenetic location: 18q12.1.
Variant type: single nucleotide variant.
Coding change: c.46A>T on transcript NM_001943.5 (MANE Select); coding-DNA position 46, A replaced by T.
Protein change: p.Ile16Phe; replaces isoleucine 16 with phenylalanine.
Molecular consequence: missense variant.
Genome position (GRCh38, 1-based): chr18:31,518,239, A>T. VCF-style: chr18-31518239-A-T. GRCh37 (hg19) VCF-style: chr18-29098202-A-T.
Other names: short protein forms I16F.
Identifiers: ClinVar variation 926420 (VCV000926420.6), dbSNP rs376660601, ClinGen allele CA402129837.
Genomic context (GRCh38, chr18:31,518,239, plus strand): 5'-ATGTTTTCACACTGAATTGAGCAGTAAATTGGCTAAATATCAAATAATTTTATTTTACAG[A>T]TCTGCTTTAACGTTGGAAGTGGACTTCACTTACAGGTGAGGAAACAAAGGGATTATTTCT-3'
Protein context (NP_001934.2, residues 6-26): GRAYALLLLL[Ile16Phe]CFNVGSGLHL

ClinVar aggregate classification (germline): Uncertain significance. Review status: criteria provided, multiple submitters, no conflicts (2 of 4 stars). 2 submissions from 2 submitters: Uncertain significance (2). Last evaluated 2024-08-23.

Conditions:
Cardiomyopathy (CMYO). Also called: Cardiomyopathies. Identifiers: Orphanet 167848, MedGen C0878544, MONDO:0004994, HP:0001638. Inheritance: Various modes of inheritance.
Arrhythmogenic right ventricular cardiomyopathy (ARVD). Also called: Arrhythmogenic cardiomyopathy; Cardiomyopathy, ARVC; Arrhythmogenic right ventricular dysplasia; Arrhythmogenic Right Ventricular Cardiomyopathy (ARVC). Identifiers: Orphanet 247, MedGen C0349788, MeSH D019571, MONDO:0016587. Disease mechanism: loss of function. Inheritance: Various modes of inheritance.

Submissions (2):

All of Us Research Program, National Institutes of Health
Classification: Uncertain significance for Arrhythmogenic right ventricular cardiomyopathy. Last evaluated: 2024-08-23. Review status: criteria provided, single submitter. Criteria: ACMG Guidelines, 2015. Collection method: clinical testing. Allele origin: germline. Inheritance: Autosomal dominant inheritance. Observed: 1 variant allele, 1 heterozygote.
Comment: Variant of Uncertain Significance due to insufficient evidence: This missense variant replaces isoleucine with phenylalanine at codon 16 of the DSG2 protein. Computational prediction tools and conservation analyses are inconclusive regarding the impact of this variant on the protein function. Computational splicing tools suggest that this variant may not impact RNA splicing. To our knowledge, functional assays have not been performed for this variant nor has this variant been reported in individuals affected with cardiovascular disorders in the literature. This variant is rare in the general population and has been identified in 0/277264 chromosomes by the Genome Aggregation Database (gnomAD). Available evidence is insufficient to determine the role of this variant in disease conclusively.

This study involves interpretation of variants in research participants for the purpose of population health screening. Participant phenotype was not available at the time of variant classification. Additional details can be found in publication PMID: 35346344, PMCID: PMC8962531

Color Diagnostics, LLC DBA Color Health
Classification: Uncertain significance for Cardiomyopathy. Last evaluated: 2024-08-07. Review status: criteria provided, single submitter. Criteria: ACMG Guidelines, 2015. Collection method: clinical testing. Allele origin: germline.
Comment: This missense variant replaces isoleucine with phenylalanine at codon 16 of the DSG2 protein. Computational prediction suggests that this variant may not impact protein structure and function. To our knowledge, functional studies have not been reported for this variant. This variant has not been reported in individuals affected with DSG2-related disorders in the literature. This variant has not been identified in the general population by the Genome Aggregation Database (gnomAD). The available evidence is insufficient to determine the role of this variant in disease conclusively. Therefore, this variant is classified as a Variant of Uncertain Significance.